The following is an entry in ClinVar:

NM_005120.3(MED12):c.5920C>T (p.Gln1974Ter)

Gene: MED12 (mediator complex subunit 12; plus strand). Cytogenetic location: Xq13.1.
Variant type: single nucleotide variant.
Coding change: c.5920C>T on transcript NM_005120.3 (MANE Select); coding-DNA position 5920, C replaced by T.
Protein change: p.Gln1974Ter; replaces glutamine 1974 with a stop codon.
Molecular consequence: nonsense.
Genome position (GRCh38, 1-based): chrX:71,137,819, C>T. VCF-style: chrX-71137819-C-T. GRCh37 (hg19) VCF-style: chrX-70357669-C-T.
Other names: short protein forms Q1974*.
Identifiers: ClinVar variation 620451 (VCV000620451.5), dbSNP rs1569482431, ClinGen allele CA413539291.

ClinVar aggregate classification (germline): Pathogenic. Review status: criteria provided, multiple submitters, no conflicts (2 of 4 stars). 3 submissions from 3 submitters: Pathogenic (3). Last evaluated 2024-04-26.

Conditions:
Familial thoracic aortic aneurysm and aortic dissection (TAAD). Also called: Thoracic aortic aneurysms and dissections. Identifiers: Orphanet 91387, MedGen C4707243, MONDO:0019625.
Nonspecific Intellectual Disability.

Submissions (3):

Daryl Scott Lab, Baylor College of Medicine
Classification: Pathogenic for Nonspecific Intellectual Disability. Last evaluated: 2024-04-26. Review status: criteria provided, single submitter. Criteria: ACMG Guidelines, 2015. Collection method: clinical testing. Allele origin: de novo. Affected: yes. Observed: 1 heterozygote.

GeneDx
Classification: Pathogenic. Last evaluated: 2018-11-13. Review status: criteria provided, single submitter. Criteria: GeneDx Variant Classification (06012015). Collection method: clinical testing. Allele origin: germline. Affected: yes.
Comment: The Q1974X variant in the MED12 gene has not been reported previously as a pathogenic variant nor as a benign variant, to our knowledge. This variant is predicted to cause loss of normal protein function either through protein truncation or nonsense-mediated mRNA decay. The Q1974X variant is not observed in large population cohorts (Lek et al., 2016). We interpret Q1974X as a pathogenic variant.

Ambry Genetics
Classification: Pathogenic for Familial thoracic aortic aneurysm and aortic dissection. Last evaluated: 2017-06-29. Review status: criteria provided, single submitter. Criteria: Ambry Variant Classification Scheme 2023. Collection method: clinical testing. Allele origin: germline.
Comment: The p.Q1974* pathogenic mutation (also known as c.5920C>T), located in coding exon 41 of the MED12 gene, results from a C to T substitution at nucleotide position 5920. This changes the amino acid from a glutamine to a stop codon within coding exon 41. This alteration is expected to result in loss of function by premature protein truncation or nonsense-mediated mRNA decay. As such, this alteration is interpreted as a disease-causing mutation.

Literature cited by the submitters: PubMed 24039113 (cited by Ambry Genetics); PubMed 26273451 (cited by Ambry Genetics).